The following is an entry in ClinVar:

NM_001042492.3(NF1):c.5834del (p.Cys1945fs)

Gene: NF1 (neurofibromin 1; plus strand). Cytogenetic location: 17q11.2.
Variant type: Deletion.
Coding change: c.5834del on transcript NM_001042492.3 (MANE Select); coding-DNA position 5834, one base deleted (G; older notation c.5834delG).
Protein change: p.Cys1945fs; shifts the reading frame from cysteine 1945.
Molecular consequence: frameshift variant.
Genome position (GRCh38, 1-based): chr17:31,334,859, G deleted. VCF-style (leftmost placement, unchanged base first): chr17-31334858-TG-T. GRCh37 (hg19) VCF-style: chr17-29661876-TG-T.
Other names: c.5771delG, p.Cys1924Phefs (NM_000267.4); short protein forms C1945fs, C1924fs.
Identifiers: ClinVar variation 2694686 (VCV002694686.3), dbSNP rs2508736222, ClinGen allele CA2697559579.
Genomic context (GRCh38, chr17:31,334,858, plus strand): 5'-TTCATTGACCATCACATGCTAATAGTGTATTTTTTTCCAGGTATTGAATTGAAACACCTT[TG>T]TTTGGAATACATGACTCCATGGCTGTCAAATCTAGTTCGTTTTTGCAAGCATAATGATGA-3'

ClinVar aggregate classification (germline): Pathogenic (1 of 4 stars; one submission).

Conditions:
Neurofibromatosis, type 1 (NF1). Also called: Peripheral type neurofibromatosis; VON RECKLINGHAUSEN DISEASE; Neurofibromatosis, type I; NEUROFIBROMATOSIS, TYPE I, SOMATIC. Identifiers: Orphanet 636, MedGen C0027831, MONDO:0018975, OMIM 162200. Disease mechanism: loss of function.

Submission:

Labcorp Genetics (formerly Invitae), Labcorp
Classification: Pathogenic for Neurofibromatosis, type 1. Last evaluated: 2023-11-10. Review status: criteria provided, single submitter. Criteria: Invitae Variant Classification Sherloc (09022015). Collection method: clinical testing. Allele origin: germline.
Comment: This sequence change creates a premature translational stop signal (p.Cys1924Phefs*5) in the NF1 gene. It is expected to result in an absent or disrupted protein product. Loss-of-function variants in NF1 are known to be pathogenic (PMID: 10712197, 23913538). This variant is not present in population databases (gnomAD no frequency). This variant has not been reported in the literature in individuals affected with NF1-related conditions. For these reasons, this variant has been classified as Pathogenic.

Literature cited by the submitters: PubMed 10712197; PubMed 23913538.